The following is an entry in ClinVar:

ClinVar aggregate classification (germline): Conflicting classifications of pathogenicity. Review status: criteria provided, conflicting classifications (1 of 4 stars). 3 submissions from 3 submitters: Uncertain significance (1); Likely benign (1). 1 of the submissions does not count toward it. Last evaluated 2026-01-28.

Conditions:
Inborn genetic diseases. Identifiers: MedGen C0950123, MeSH D030342.
PPP2R5D-related disorder. Also called: PPP2R5D-related condition.

Allele frequency attached by ClinVar (database versions not stated): ExAC 0.00002; gnomAD 0.00005; TOPMed 0.00005; ESP Exome Variant Server 0.00008; gnomAD exomes 0.00009.
gnomAD v4.1: 144 of 1,613,996 alleles (0.0089%); highest among the groups gnomAD compares: Non-Finnish European, 0.011%; no homozygotes.

Submissions (3):

Labcorp Genetics (formerly Invitae), Labcorp
Classification: Uncertain significance. Last evaluated: 2026-01-28. Review status: criteria provided, single submitter. Criteria: Invitae Variant Classification Sherloc (09022015). Collection method: clinical testing. Allele origin: germline.
Comment: This sequence change replaces arginine, which is basic and polar, with histidine, which is basic and polar, at codon 160 of the PPP2R5D protein (p.Arg160His). This variant is present in population databases (rs370834231, gnomAD 0.007%). This variant has not been reported in the literature in individuals affected with PPP2R5D-related conditions. ClinVar contains an entry for this variant (Variation ID: 2148925). An algorithm developed to predict the effect of missense changes on protein structure and function (PolyPhen-2) suggests that this variant is likely to be tolerated. In summary, the available evidence is currently insufficient to determine the role of this variant in disease. Therefore, it has been classified as a Variant of Uncertain Significance.

Ambry Genetics
Classification: Likely benign for Inborn genetic diseases. Last evaluated: 2022-01-18. Review status: criteria provided, single submitter. Criteria: Ambry Variant Classification Scheme 2023. Collection method: clinical testing. Allele origin: germline.

PreventionGenetics, part of Exact Sciences
Classification: Likely benign for PPP2R5D-related condition. Last evaluated: 2024-04-25. Review status: no assertion criteria provided. Collection method: clinical testing. Allele origin: germline. Not counted in ClinVar's aggregate classification.
Comment: This variant is classified as likely benign based on ACMG/AMP sequence variant interpretation guidelines (Richards et al. 2015 PMID: 25741868, with internal and published modifications).

NM_006245.4(PPP2R5D):c.479G>A (p.Arg160His)

Gene: PPP2R5D (protein phosphatase 2 regulatory subunit B'delta; plus strand). Cytogenetic location: 6p21.1.
Variant type: single nucleotide variant.
Coding change: c.479G>A on transcript NM_006245.4 (MANE Select); coding-DNA position 479, G replaced by A.
Protein change: p.Arg160His; replaces arginine 160 with histidine.
Molecular consequence: missense variant.
Genome position (GRCh38, 1-based): chr6:43,007,067, G>A. VCF-style: chr6-43007067-G-A. GRCh37 (hg19) VCF-style: chr6-42974805-G-A.
Other names: c.26G>A, p.Arg9His (NM_001270476.2); c.383G>A, p.Arg128His (NM_180976.3); c.161G>A, p.Arg54His (NM_180977.3); c.479G>A (NM_006245.2, NM_006245.3); short protein forms R54H, R9H, R160H, R128H.
Identifiers: ClinVar variation 2148925 (VCV002148925.6), dbSNP rs370834231, ClinGen allele CA3811826.